The following is an entry in ClinVar:

ClinVar aggregate classification (germline): Likely benign. Review status: criteria provided, single submitter (1 of 4 stars). 2 submissions from 2 submitters: Likely benign (1). 1 of the submissions does not count toward it. Last evaluated 2020-07-21.

Conditions:
NPRL3-related disorder. Also called: NPRL3-related condition.

gnomAD v4.1: 141 of 1,546,566 alleles (0.0091%); highest among the groups gnomAD compares: Admixed American, 0.027%; 1 homozygote.

Submissions (2):

GeneDx
Classification: Likely benign. Last evaluated: 2020-07-21. Review status: criteria provided, single submitter. Criteria: GeneDx Variant Classification Process June 2021. Collection method: clinical testing. Allele origin: germline. Affected: yes.

PreventionGenetics, part of Exact Sciences
Classification: Likely benign for NPRL3-related condition. Last evaluated: 2019-07-16. Review status: no assertion criteria provided. Collection method: clinical testing. Allele origin: germline. Not counted in ClinVar's aggregate classification.
Comment: This variant is classified as likely benign based on ACMG/AMP sequence variant interpretation guidelines (Richards et al. 2015 PMID: 25741868, with internal and published modifications).

NM_001077350.3(NPRL3):c.*8C>T

Gene: NPRL3 (NPR3 like, GATOR1 complex subunit; minus strand). Cytogenetic location: 16p13.3.
Variant type: single nucleotide variant.
Coding change: c.*8C>T on transcript NM_001077350.3 (MANE Select); 8 bases downstream of the stop codon, C replaced by T.
Molecular consequence: 3 prime UTR variant.
Genome position (GRCh38, 1-based): chr16:86,697, G>A on the plus strand (C>T on the coding strand, the complement: NPRL3 is on the minus strand). VCF-style: chr16-86697-G-A. GRCh37 (hg19) VCF-style: chr16-136696-G-A.
Other names: c.*8C>T (NM_001039476.3, NM_001243247.2, NM_001243248.2 and 2 more transcripts).
Identifiers: ClinVar variation 1219556 (VCV001219556.5), dbSNP rs773919262, ClinGen allele CA276454460.